The following is an entry in ClinVar:

ClinVar aggregate classification (germline): Uncertain significance (1 of 4 stars; one submission).

Conditions:
THSD1-related disorder. Also called: THSD1-related condition.

Allele frequency attached by ClinVar (database versions not stated): ExAC 0.00001.
gnomAD v4.1: 3 of 1,613,490 alleles (0.00019%); highest among the groups gnomAD compares: Non-Finnish European, 0.00017%; no homozygotes.

Submission:

PreventionGenetics, part of Exact Sciences
Classification: Uncertain significance for THSD1-related condition. Last evaluated: 2023-04-26. Review status: criteria provided, single submitter. Criteria: ACMG Guidelines, 2015. Collection method: clinical testing. Allele origin: germline.
Comment: The THSD1 c.2237G>A variant is predicted to result in the amino acid substitution p.Gly746Glu. To our knowledge, this variant has not been reported in the literature. This variant is reported in 0.010% of alleles in individuals of Ashkenazi Jewish descent in gnomAD. At this time, the clinical significance of this variant is uncertain due to the absence of conclusive functional and genetic evidence.

NM_018676.4(THSD1):c.2237G>A (p.Gly746Glu)

Gene: THSD1 (thrombospondin type 1 domain containing 1; minus strand). Cytogenetic location: 13q14.3.
Variant type: single nucleotide variant.
Coding change: c.2237G>A on transcript NM_018676.4 (MANE Select); coding-DNA position 2237, G replaced by A.
Protein change: p.Gly746Glu; replaces glycine 746 with glutamic acid.
Molecular consequence: missense variant.
Genome position (GRCh38, 1-based): chr13:52,377,733, C>T on the plus strand (G>A on the coding strand, the complement: THSD1 is on the minus strand). VCF-style: chr13-52377733-C-T. GRCh37 (hg19) VCF-style: chr13-52951868-C-T.
Other names: c.2078G>A, p.Gly693Glu (NM_199263.3); short protein forms G693E, G746E.
Identifiers: ClinVar variation 2633261 (VCV002633261.1), dbSNP rs777279090, ClinGen allele CA6991806.